The following is an entry in ClinVar:

NM_000551.4(VHL):c.123A>C (p.Glu41Asp)

Gene: VHL (von Hippel-Lindau tumor suppressor; plus strand). Cytogenetic location: 3p25.3.
Variant type: single nucleotide variant.
Coding change: c.123A>C on transcript NM_000551.4 (MANE Select); coding-DNA position 123, A replaced by C.
Protein change: p.Glu41Asp; replaces glutamic acid 41 with aspartic acid.
Molecular consequence: missense variant.
Genome position (GRCh38, 1-based): chr3:10,141,970, A>C. VCF-style: chr3-10141970-A-C. GRCh37 (hg19) VCF-style: chr3-10183654-A-C.
Other names: c.123A>C, p.Glu41Asp (NM_001354723.2, NM_198156.3); short protein forms E41D.
Identifiers: ClinVar variation 1757751 (VCV001757751.2), dbSNP rs2125124753, ClinGen allele CA351747951.

ClinVar aggregate classification (germline): Uncertain significance (1 of 4 stars; one submission).

Conditions:
Hereditary cancer-predisposing syndrome. Also called: Neoplastic Syndromes, Hereditary; Tumor predisposition; Hereditary Cancer Syndrome; Hereditary neoplastic syndrome. Identifiers: Orphanet 140162, MedGen C0027672, MeSH D009386, MONDO:0015356.

Submission:

Ambry Genetics
Classification: Uncertain significance for Hereditary cancer-predisposing syndrome. Last evaluated: 2022-04-05. Review status: criteria provided, single submitter. Criteria: Ambry Variant Classification Scheme 2023. Collection method: clinical testing. Allele origin: germline.
Comment: The p.E41D variant (also known as c.123A>C), located in coding exon 1 of the VHL gene, results from an A to C substitution at nucleotide position 123. The glutamic acid at codon 41 is replaced by aspartic acid, an amino acid with highly similar properties. This amino acid position is conserved. In addition, this alteration is predicted to be tolerated by in silico analysis. Since supporting evidence is limited at this time, the clinical significance of this alteration remains unclear.